The following is an entry in ClinVar:

NM_003482.4(KMT2D):c.251G>A (p.Arg84His)

Gene: KMT2D (lysine methyltransferase 2D; minus strand). Cytogenetic location: 12q13.12.
Variant type: single nucleotide variant.
Coding change: c.251G>A on transcript NM_003482.4 (MANE Select); coding-DNA position 251, G replaced by A.
Protein change: p.Arg84His; replaces arginine 84 with histidine.
Molecular consequence: missense variant.
Genome position (GRCh38, 1-based): chr12:49,054,677, C>T on the plus strand (G>A on the coding strand, the complement: KMT2D is on the minus strand). VCF-style: chr12-49054677-C-T. GRCh37 (hg19) VCF-style: chr12-49448460-C-T.
Other names: c.251G>A (NM_003482.3); short protein forms R84H.
Identifiers: ClinVar variation 1057132 (VCV001057132.12), dbSNP rs780096090, ClinGen allele CA6548758.
Genomic context (GRCh38, chr12:49,054,677, plus strand): 5'-CCTGGGCTCCCCCCAGGGGACACCACTGGACACCGGGGCCAATCAAATGGCAACTCAAAG[C>T]GCCGTAGCTCCCGCTGCCCGTGTAGACTGGGCTCCCCGCAGTTACAGAGAGCACAACGCC-3'
Protein context (NP_003473.3, residues 74-94): PSLHGQRELR[Arg84His]FELPFDWPRC

ClinVar aggregate classification (germline): Conflicting classifications of pathogenicity. Review status: criteria provided, conflicting classifications (1 of 4 stars). 3 submissions from 3 submitters: Uncertain significance (1); Benign (1). 1 of the submissions does not count toward it. Last evaluated 2022-12-27.

Conditions:
Kabuki syndrome. Also called: NIIKAWA-KUROKI SYNDROME; Kabuki make-up syndrome. Identifiers: Orphanet 2322, MedGen C0796004, MONDO:0016512.
KMT2D-related disorder. Also called: KMT2D-Related Disorders.
Kabuki syndrome 1 (KABUK1). Also called: KMT2D-Related Kabuki Syndrome. Identifiers: Orphanet 2322, MedGen CN030661, MONDO:0007843, OMIM 147920.

Allele frequency attached by ClinVar (database versions not stated): ExAC 0.00001; gnomAD exomes 0.00002; TOPMed 0.00005.
gnomAD v4.1: 7 of 1,612,588 alleles (0.00043%); highest among the groups gnomAD compares: Admixed American, 0.012%; no homozygotes.

Submissions (3):

Labcorp Genetics (formerly Invitae), Labcorp
Classification: Benign for Kabuki syndrome. Last evaluated: 2022-12-27. Review status: criteria provided, single submitter. Criteria: Invitae Variant Classification Sherloc (09022015). Collection method: clinical testing. Allele origin: germline.

Fulgent Genetics
Classification: Uncertain significance for Kabuki syndrome 1. Last evaluated: 2021-12-16. Review status: criteria provided, single submitter. Criteria: ACMG Guidelines, 2015. Collection method: clinical testing. Allele origin: unknown.

PreventionGenetics, part of Exact Sciences
Classification: Uncertain significance for KMT2D-related condition. Last evaluated: 2024-02-12. Review status: no assertion criteria provided. Collection method: clinical testing. Allele origin: germline. Not counted in ClinVar's aggregate classification.
Comment: The KMT2D c.251G>A variant is predicted to result in the amino acid substitution p.Arg84His. To our knowledge, this variant has not been reported in the literature. This variant is reported in 0.012% of alleles in individuals of Latino descent in gnomAD. At this time, the clinical significance of this variant is uncertain due to the absence of conclusive functional and genetic evidence.